The following is an entry in ClinVar:

ClinVar aggregate classification (germline): Likely pathogenic (1 of 4 stars; one submission).

Conditions:
Telangiectasia, hereditary hemorrhagic, type 2 (HHT2). Also called: Telangiectasia, hereditary hemorrhagic, type II; ACVRL1-Related Hereditary Hemorrhagic Telangiectasia. Identifiers: Orphanet 774, MedGen C1838163, MONDO:0010880, OMIM 600376. Disease mechanism: loss of function.

Submission:

Labcorp Genetics (formerly Invitae), Labcorp
Classification: Likely pathogenic for Telangiectasia, hereditary hemorrhagic, type 2. Last evaluated: 2024-05-07. Review status: criteria provided, single submitter. Criteria: Invitae Variant Classification Sherloc (09022015). Collection method: clinical testing. Allele origin: germline.
Comment: This sequence change replaces leucine, which is neutral and non-polar, with isoleucine, which is neutral and non-polar, at codon 480 of the ACVRL1 protein (p.Leu480Ile). This variant is not present in population databases (gnomAD no frequency). This variant has not been reported in the literature in individuals affected with ACVRL1-related conditions. Advanced modeling of protein sequence and biophysical properties (such as structural, functional, and spatial information, amino acid conservation, physicochemical variation, residue mobility, and thermodynamic stability) performed at Invitae indicates that this missense variant is expected to disrupt ACVRL1 protein function with a positive predictive value of 95%. This variant disrupts the p.Leu480 amino acid residue in ACVRL1. Other variant(s) that disrupt this residue have been determined to be pathogenic (PMID: 17786384, 32300199). This suggests that this residue is clinically significant, and that variants that disrupt this residue are likely to be disease-causing. In summary, the currently available evidence indicates that the variant is pathogenic, but additional data are needed to prove that conclusively. Therefore, this variant has been classified as Likely Pathogenic.

Literature cited by the submitters: PubMed 17786384; PubMed 32300199.

NM_000020.3(ACVRL1):c.1438C>A (p.Leu480Ile)

Gene: ACVRL1 (activin A receptor like type 1; plus strand). Cytogenetic location: 12q13.13.
Variant type: single nucleotide variant.
Coding change: c.1438C>A on transcript NM_000020.3 (MANE Select); coding-DNA position 1438, C replaced by A.
Protein change: p.Leu480Ile; replaces leucine 480 with isoleucine.
Molecular consequence: missense variant.
Genome position (GRCh38, 1-based): chr12:51,920,819, C>A. VCF-style: chr12-51920819-C-A. GRCh37 (hg19) VCF-style: chr12-52314603-C-A.
Other names: c.1438C>A, p.Leu480Ile (NM_001077401.2, NM_001406487.1); c.1282C>A, p.Leu428Ile (NM_001406490.1); c.1126C>A, p.Leu376Ile (NM_001406491.1, NM_001406492.1); c.928C>A, p.Leu310Ile (NM_001406494.1); c.874C>A, p.Leu292Ile (NM_001406495.1); short protein forms L292I, L480I, L428I, L310I, L376I.
Identifiers: ClinVar variation 2696670 (VCV002696670.3), dbSNP rs2540174697, ClinGen allele CA384905708.